The following is an entry in ClinVar:

NM_012216.4(MID2):c.742A>G (p.Thr248Ala)

Gene: MID2 (midline 2; plus strand). Cytogenetic location: Xq22.3.
Variant type: single nucleotide variant.
Coding change: c.742A>G on transcript NM_012216.4 (MANE Select); coding-DNA position 742, A replaced by G.
Protein change: p.Thr248Ala; replaces threonine 248 with alanine.
Molecular consequence: missense variant.
Genome position (GRCh38, 1-based): chrX:107,854,630, A>G. VCF-style: chrX-107854630-A-G. GRCh37 (hg19) VCF-style: chrX-107097860-A-G.
Other names: c.682A>G, p.Thr228Ala (NM_001382752.1, NM_001382751.1); c.742A>G, p.Thr248Ala (NM_052817.3); short protein forms T248A, T228A.
Identifiers: ClinVar variation 3728367 (VCV003728367.2).
Genomic context (GRCh38, chrX:107,854,630, plus strand): 5'-CTCGGTTCCCCTCTGGATTCATACCCTCTGCGATGACAGCAAACTCTGGAGATGAACCTC[A>G]CCAACCTGGTTAAGCGCAACAGCGAACTAGAAAATCAAATGGCCAAACTAATACAGATCT-3'
Protein context (NP_036348.2, residues 238-258): KLKQTLEMNL[Thr248Ala]NLVKRNSELE

ClinVar aggregate classification (germline): Uncertain significance (1 of 4 stars; one submission).

gnomAD v4.1: 5 of 1,210,659 alleles (0.00041%); highest among the groups gnomAD compares: Admixed American, 0.011%; no homozygotes.

Submission:

Labcorp Genetics (formerly Invitae), Labcorp
Classification: Uncertain significance. Last evaluated: 2024-12-31. Review status: criteria provided, single submitter. Criteria: Invitae Variant Classification Sherloc (09022015). Collection method: clinical testing. Allele origin: germline.
Comment: This sequence change replaces threonine, which is neutral and polar, with alanine, which is neutral and non-polar, at codon 248 of the MID2 protein (p.Thr248Ala). This variant is present in population databases (rs754942941, gnomAD 0.02%). This variant has not been reported in the literature in individuals affected with MID2-related conditions. An algorithm developed to predict the effect of missense changes on protein structure and function (PolyPhen-2) suggests that this variant is likely to be tolerated. In summary, the available evidence is currently insufficient to determine the role of this variant in disease. Therefore, it has been classified as a Variant of Uncertain Significance.